The following is an entry in ClinVar:

ClinVar aggregate classification (germline): Likely pathogenic (1 of 4 stars; one submission).

Conditions:
Nemaline myopathy 2 (NEM2). Also called: Nemaline myopathy 2, autosomal recessive. Identifiers: MedGen C1850569, MONDO:0009725, OMIM 256030.

Submission:

Labcorp Genetics (formerly Invitae), Labcorp
Classification: Likely pathogenic for Nemaline myopathy 2. Last evaluated: 2024-05-15. Review status: criteria provided, single submitter. Criteria: Invitae Variant Classification Sherloc (09022015). Collection method: clinical testing. Allele origin: germline.
Comment: This variant occurs in a region of NEB (Exons 82-105) consisting of three highly homologous 8-exon repeat units (exons 82-89, exons 90-97, exons 98-105). Sequence variants in this region can be detected, but this assay cannot determine which of the three repeat units is affected, and zygosity is often ambiguous. All variants in this region are reported relative to the exon 82-89 repeat. This sequence change affects an acceptor splice site in intron 87 of the NEB gene. It is expected to disrupt RNA splicing. Variants that disrupt the donor or acceptor splice site typically lead to a loss of protein function (PMID: 16199547), and loss-of-function variants in NEB are known to be pathogenic (PMID: 25205138). The frequency data for this variant in the population databases (gnomAD) is considered unreliable due to the presence of homologous sequence, such as pseudogenes or paralogs, in the genome. This variant has not been reported in the literature in individuals affected with NEB-related conditions. Algorithms developed to predict the effect of sequence changes on RNA splicing suggest that this variant may disrupt the consensus splice site. In summary, the currently available evidence indicates that the variant is pathogenic, but additional data are needed to prove that conclusively. Therefore, this variant has been classified as Likely Pathogenic.

Literature cited by the submitters: PubMed 16199547; PubMed 25205138.

NM_001164508.2(NEB):c.13369-2A>G

Gene: NEB (nebulin; minus strand). Cytogenetic location: 2q23.3.
Variant type: single nucleotide variant.
Coding change: c.13369-2A>G on transcript NM_001164508.2 (MANE Select); the canonical splice acceptor site of the intron before coding-DNA position 13369, A replaced by G.
Molecular consequence: splice acceptor variant. On other transcripts: intron variant (1).
Genome position (GRCh38, 1-based): chr2:151,602,010, T>C on the plus strand (A>G on the coding strand, the complement: NEB is on the minus strand). VCF-style: chr2-151602010-T-C. GRCh37 (hg19) VCF-style: chr2-152458524-T-C.
Other names: c.11601+7799A>G (NM_004543.5); c.13369-2A>G (NM_001164507.2, NM_001271208.2).
Identifiers: ClinVar variation 2711097 (VCV002711097.3), dbSNP rs2552220888, ClinGen allele CA348769520.